The following is an entry in ClinVar:

ClinVar aggregate classification (germline): Uncertain significance (1 of 4 stars; one submission).

Allele frequency attached by ClinVar (database versions not stated): gnomAD exomes below 0.00001.
gnomAD v4.1: 1 of 1,613,096 alleles (0.000062%); highest among the groups gnomAD compares: Non-Finnish European, 0.000085%; no homozygotes.

Submission:

Labcorp Genetics (formerly Invitae), Labcorp
Classification: Uncertain significance. Last evaluated: 2022-06-09. Review status: criteria provided, single submitter. Criteria: Invitae Variant Classification Sherloc (09022015). Collection method: clinical testing. Allele origin: germline.
Comment: In summary, the available evidence is currently insufficient to determine the role of this variant in disease. Therefore, it has been classified as a Variant of Uncertain Significance. This variant has not been reported in the literature in individuals affected with RNF31-related conditions. This variant is not present in population databases (gnomAD no frequency). This sequence change creates a premature translational stop signal (p.Gln409*) in the RNF31 gene. It is expected to result in an absent or disrupted protein product. However, the current clinical and genetic evidence is not sufficient to establish whether loss-of-function variants in RNF31 cause disease.

NM_017999.5(RNF31):c.1225C>T (p.Gln409Ter)

Gene: RNF31 (ring finger protein 31; plus strand). Cytogenetic location: 14q12.
Variant type: single nucleotide variant.
Coding change: c.1225C>T on transcript NM_017999.5 (MANE Select); coding-DNA position 1225, C replaced by T.
Protein change: p.Gln409Ter; replaces glutamine 409 with a stop codon.
Molecular consequence: nonsense.
Genome position (GRCh38, 1-based): chr14:24,150,625, C>T. VCF-style: chr14-24150625-C-T. GRCh37 (hg19) VCF-style: chr14-24619834-C-T.
Other names: c.772C>T, p.Gln258Ter (NM_001310332.2); short protein forms Q258*, Q409*.
Identifiers: ClinVar variation 2003769 (VCV002003769.4), dbSNP rs2502000101, ClinGen allele CA389292638.